The following is an entry in ClinVar:

ClinVar aggregate classification (germline): Uncertain significance (1 of 4 stars; one submission).

Conditions:
Saldino-Mainzer syndrome (SRTD9). Also called: CONORENAL SYNDROME; Renal dysplasia, retinal pigmentary dystrophy, cerebellar ataxia and skeletal dysplasia; SHORT-RIB THORACIC DYSPLASIA 9 WITHOUT POLYDACTYLY; short-rib thoracic dysplasia 9 with or without polydactyly. Identifiers: Orphanet 140969, MedGen C1849437, MONDO:0009964, OMIM 266920.

gnomAD v4.1: 2 of 1,571,208 alleles (0.00013%); highest among the groups gnomAD compares: Non-Finnish European, 0.00017%; no homozygotes.

Submission:

Labcorp Genetics (formerly Invitae), Labcorp
Classification: Uncertain significance for Saldino-Mainzer syndrome. Last evaluated: 2025-04-08. Review status: criteria provided, single submitter. Criteria: Invitae Variant Classification Sherloc (09022015). Collection method: clinical testing. Allele origin: germline.
Comment: This sequence change replaces leucine, which is neutral and non-polar, with phenylalanine, which is neutral and non-polar, at codon 637 of the IFT140 protein (p.Leu637Phe). This variant is not present in population databases (gnomAD no frequency). This variant has not been reported in the literature in individuals affected with IFT140-related conditions. Invitae Evidence Modeling of protein sequence and biophysical properties (such as structural, functional, and spatial information, amino acid conservation, physicochemical variation, residue mobility, and thermodynamic stability) indicates that this missense variant is not expected to disrupt IFT140 protein function with a negative predictive value of 95%. In summary, the available evidence is currently insufficient to determine the role of this variant in disease. Therefore, it has been classified as a Variant of Uncertain Significance.

NM_014714.4(IFT140):c.1909C>T (p.Leu637Phe)

Gene: IFT140 (intraflagellar transport 140; minus strand). Cytogenetic location: 16p13.3.
Variant type: single nucleotide variant.
Coding change: c.1909C>T on transcript NM_014714.4 (MANE Select); coding-DNA position 1909, C replaced by T.
Protein change: p.Leu637Phe; replaces leucine 637 with phenylalanine.
Molecular consequence: missense variant.
Genome position (GRCh38, 1-based): chr16:1,564,155, G>A on the plus strand (C>T on the coding strand, the complement: IFT140 is on the minus strand). VCF-style: chr16-1564155-G-A. GRCh37 (hg19) VCF-style: chr16-1614156-G-A.
Other names: short protein forms L637F.
Identifiers: ClinVar variation 4705185 (VCV004705185.1).
Genomic context (GRCh38, chr16:1,564,155, plus strand): 5'-CACTCTGGTCCCAGAAGTGGTTCACGGGAACATAATTTTTCAGTCCCTCATCCACAAAGA[G>A]GTGGCTCCTAAAAGACAAAGGAAGACCCGTTTCAACCCCAGGGCGGGCACTCCTGCTACC-3'
Protein context (NP_055529.2, residues 627-647): FNEQETNKSH[Leu637Phe]FVDEGLKNYV